The following is an entry in ClinVar:

ClinVar aggregate classification (germline): Uncertain significance. Review status: criteria provided, multiple submitters, no conflicts (2 of 4 stars). 2 submissions from 2 submitters: Uncertain significance (2). Last evaluated 2025-05-13.

Submissions (2):

Labcorp Genetics (formerly Invitae), Labcorp
Classification: Uncertain significance. Last evaluated: 2025-05-13. Review status: criteria provided, single submitter. Criteria: Invitae Variant Classification Sherloc (09022015). Collection method: clinical testing. Allele origin: germline.
Comment: This sequence change replaces aspartic acid, which is acidic and polar, with histidine, which is basic and polar, at codon 1450 of the ALPK3 protein (p.Asp1450His). This variant is present in population databases (no rsID available, gnomAD 0.007%). This variant has not been reported in the literature in individuals affected with ALPK3-related conditions. ClinVar contains an entry for this variant (Variation ID: 3364349). An algorithm developed to predict the effect of missense changes on protein structure and function (PolyPhen-2) suggests that this variant is likely to be disruptive. In summary, the available evidence is currently insufficient to determine the role of this variant in disease. Therefore, it has been classified as a Variant of Uncertain Significance.

GeneDx
Classification: Uncertain significance. Last evaluated: 2023-11-14. Review status: criteria provided, single submitter. Criteria: GeneDx Variant Classification Process June 2021. Collection method: clinical testing. Allele origin: germline. Affected: yes.
Comment: Has not been previously published as pathogenic or benign to our knowledge; Not observed at significant frequency in large population cohorts (gnomAD); In silico analysis supports that this missense variant has a deleterious effect on protein structure/function

NM_020778.5(ALPK3):c.3742G>C (p.Asp1248His)

Gene: ALPK3 (alpha kinase 3; plus strand). Cytogenetic location: 15q25.3.
Variant type: single nucleotide variant.
Coding change: c.3742G>C on transcript NM_020778.5 (MANE Select); coding-DNA position 3742, G replaced by C.
Protein change: p.Asp1248His; replaces aspartic acid 1248 with histidine.
Molecular consequence: missense variant.
Genome position (GRCh38, 1-based): chr15:84,858,480, G>C. VCF-style: chr15-84858480-G-C. GRCh37 (hg19) VCF-style: chr15-85401711-G-C.
Other names: short protein forms D1248H.
Identifiers: ClinVar variation 3364349 (VCV003364349.2).
Genomic context (GRCh38, chr15:84,858,480, plus strand): 5'-CGGGCAGAGGAGGAGCTGGCGGCAGGAGACCTGGGCCCCAGCCCCAAGGCCGGCGGTCTG[G>C]ACACAGAGGTGGCCCTGGATGAAGGCAAGCAGGAGACACTGGCCAAGCCCAGGAAAGCCA-3'
Protein context (NP_065829.4, residues 1238-1258): LGPSPKAGGL[Asp1248His]TEVALDEGKQ